The following is an entry in ClinVar:

ClinVar aggregate classification (germline): Uncertain significance (1 of 4 stars; one submission).

Conditions:
Spermatogenic failure 80 (SPGF80). Identifiers: MedGen C5774301, MONDO:0859364, OMIM 620222.

Submission:

Dasa
Classification: Uncertain significance for Spermatogenic failure 80. Last evaluated: 2025-10-17. Review status: criteria provided, single submitter. Criteria: DASA Assertion Criteria. Collection method: clinical testing. Allele origin: germline.
Comment: NM_145038.5(DRC1):c.541-68G>A is an intronic variant. This variant is rare in population databases. The currently available literature and clinical evidence are not sufficient to establish a definitive association between this variant and the reported condition. Therefore, this variant is classified as a variant of uncertain significance.

NM_145038.5(DRC1):c.541-68G>A

Gene: DRC1 (dynein regulatory complex subunit 1; plus strand). Cytogenetic location: 2p23.3.
Variant type: single nucleotide variant.
Coding change: c.541-68G>A on transcript NM_145038.5 (MANE Select); 68 bases into the intron before coding-DNA position 541, G replaced by A.
Molecular consequence: intron variant.
Genome position (GRCh38, 1-based): chr2:26,429,560, G>A. VCF-style: chr2-26429560-G-A. GRCh37 (hg19) VCF-style: chr2-26652428-G-A.
Identifiers: ClinVar variation 4882049 (VCV004882049.2).